The following is an entry in ClinVar:

NM_001205293.3(CACNA1E):c.1567A>T (p.Met523Leu)

Gene: CACNA1E (calcium voltage-gated channel subunit alpha1 E; plus strand). Cytogenetic location: 1q25.3.
Variant type: single nucleotide variant.
Coding change: c.1567A>T on transcript NM_001205293.3 (MANE Select); coding-DNA position 1567, A replaced by T.
Protein change: p.Met523Leu; replaces methionine 523 with leucine.
Molecular consequence: missense variant.
Genome position (GRCh38, 1-based): chr1:181,718,096, A>T. VCF-style: chr1-181718096-A-T. GRCh37 (hg19) VCF-style: chr1-181687232-A-T.
Other names: c.1567A>T, p.Met523Leu (NM_000721.4, NM_001205294.2); short protein forms M523L.
Identifiers: ClinVar variation 1466110 (VCV001466110.8), dbSNP rs2102466382, ClinGen allele CA343625839.
Genomic context (GRCh38, chr1:181,718,096, plus strand): 5'-CTACTTTTAATACTTCCAGACTATGCAGAATTTCTGTTTCTGGGACTCTTCCTCTTGGAG[A>T]TGTCCCTGAAGATGTATGGCATGGGGCCTCGCCTTTATTTTCACTCTTCATTCAACTGCT-3'
Protein context (NP_001192222.1, residues 513-533): FLFLGLFLLE[Met523Leu]SLKMYGMGPR

ClinVar aggregate classification (germline): Uncertain significance (1 of 4 stars; one submission).

Submission:

Labcorp Genetics (formerly Invitae), Labcorp
Classification: Uncertain significance. Last evaluated: 2023-04-05. Review status: criteria provided, single submitter. Criteria: Invitae Variant Classification Sherloc (09022015). Collection method: clinical testing. Allele origin: germline.
Comment: Advanced modeling of protein sequence and biophysical properties (such as structural, functional, and spatial information, amino acid conservation, physicochemical variation, residue mobility, and thermodynamic stability) has been performed at Invitae for this missense variant, however the output from this modeling did not meet the statistical confidence thresholds required to predict the impact of this variant on CACNA1E protein function. In summary, the available evidence is currently insufficient to determine the role of this variant in disease. Therefore, it has been classified as a Variant of Uncertain Significance. ClinVar contains an entry for this variant (Variation ID: 1466110). This sequence change replaces methionine, which is neutral and non-polar, with leucine, which is neutral and non-polar, at codon 523 of the CACNA1E protein (p.Met523Leu). This variant is not present in population databases (gnomAD no frequency). This variant has not been reported in the literature in individuals affected with CACNA1E-related conditions.